The following is an entry in ClinVar:

ClinVar aggregate classification (germline): Likely pathogenic. Review status: criteria provided, multiple submitters, no conflicts (2 of 4 stars). 2 submissions from 2 submitters: Likely pathogenic (2). Last evaluated 2023-07-17.

Conditions:
Alport syndrome. Also called: Hemorrhagic familial nephritis; Hemorrhagic hereditary nephritis; Congenital hereditary hematuria. Identifiers: Orphanet 63, MedGen C1567741, MONDO:0018965.

Submissions (2):

Victorian Clinical Genetics Services, Murdoch Childrens Research Institute
Classification: Likely pathogenic for Alport syndrome. Last evaluated: 2023-07-17. Review status: criteria provided, single submitter. Criteria: ACMG Guidelines, 2015. Collection method: clinical testing. Allele origin: germline. Affected: yes.
Comment: Based on the classification scheme VCGS_Germline_v1.3.4, this variant is classified as Likely pathogenic. Following criteria are met: 0103 - Dominant negative and loss of function are known mechanisms of disease in this gene and are associated with Alport syndrome (MONDO:0018965), COL4A3-related. Glycine changes that are part of a G-X-Y repeat in the triple helix of a collagen domain are known to have a dominant negative effect (PMID: 12028435). (I) 0108 - This gene is associated with both recessive (Alport syndrome 2 MIM#203780) and dominant disease (Alport syndrome 3 MIM#104200 and benign familial haematuria MIM#141200) (OMIM). (I) 0211 - Canonical splice site variant without proven consequence on splicing (no functional evidence available). It lies within intron 10 and if exon 11 is skipped, an in-frame deletion of the G-X-Y repeat can be expected. (SP) 0251 - This variant is heterozygous. (I) 0301 - Variant is absent from gnomAD (both v2 and v3). (SP) 0506 - Abnormal splicing is not predicted; however, the nucleotide is highly conserved. (I) 0705 - No comparable splice site variants have previous evidence for pathogenicity. However, it was noted that two individuals with Alport syndrome have been reported with an exon 11 deletion in LOVD. (I) 0807 - This variant has no previous evidence of pathogenicity. (I) 0905 - No published segregation evidence has been identified for this variant. (I) 1007 - No published functional evidence has been identified for this variant. (I) 1102 - Strong phenotype match for this individual. (SP) 1208 - Inheritance information for this variant is not currently available in this individual. (I) Legend: (SP) - Supporting pathogenic, (I) - Information, (SB) - Supporting benign

Labcorp Genetics (formerly Invitae), Labcorp
Classification: Likely pathogenic. Last evaluated: 2023-04-06. Review status: criteria provided, single submitter. Criteria: Invitae Variant Classification Sherloc (09022015). Collection method: clinical testing. Allele origin: germline.
Comment: This sequence change affects an acceptor splice site in intron 10 of the COL4A3 gene. It is expected to disrupt RNA splicing. Variants that disrupt the donor or acceptor splice site typically lead to a loss of protein function (PMID: 16199547), and loss-of-function variants in COL4A3 are known to be pathogenic (PMID: 8956999, 24854265, 26809805, 27281700). This variant is not present in population databases (gnomAD no frequency). This variant has not been reported in the literature in individuals affected with COL4A3-related conditions. Algorithms developed to predict the effect of sequence changes on RNA splicing suggest that this variant may disrupt the consensus splice site. In summary, the currently available evidence indicates that the variant is pathogenic, but additional data are needed to prove that conclusively. Therefore, this variant has been classified as Likely Pathogenic.

Literature cited by the submitters: PubMed 12028435 (cited by Victorian Clinical Genetics Services, Murdoch Childrens Research Institute); PubMed 16199547 (cited by Labcorp Genetics (formerly Invitae), Labcorp); PubMed 8956999 (cited by Labcorp Genetics (formerly Invitae), Labcorp); PubMed 24854265 (cited by Labcorp Genetics (formerly Invitae), Labcorp); PubMed 26809805 (cited by Labcorp Genetics (formerly Invitae), Labcorp); PubMed 27281700 (cited by Labcorp Genetics (formerly Invitae), Labcorp).

NM_000091.5(COL4A3):c.610-1G>C

Genes: COL4A3 (collagen type IV alpha 3 chain; plus strand), MFF-DT (MFF divergent transcript; minus strand). Cytogenetic location: 2q36.3.
Variant type: single nucleotide variant.
Coding change: c.610-1G>C on transcript NM_000091.5 (MANE Select); the canonical splice acceptor site of the intron before coding-DNA position 610, G replaced by C.
Molecular consequence: splice acceptor variant.
Genome position (GRCh38, 1-based): chr2:227,251,335, G>C. VCF-style: chr2-227251335-G-C. GRCh37 (hg19) VCF-style: chr2-228116051-G-C.
Other names: c.610-1G>C (NM_000091.4).
Identifiers: ClinVar variation 2852482 (VCV002852482.4), dbSNP rs2469545357, ClinGen allele CA350864013.